The following is an entry in ClinVar:

ClinVar aggregate classification (germline): Uncertain significance (1 of 4 stars; one submission).

gnomAD v4.1: 3 of 1,524,674 alleles (0.0002%); highest among the groups gnomAD compares: Non-Finnish European, 0.00026%; no homozygotes.

Submission:

Labcorp Genetics (formerly Invitae), Labcorp
Classification: Uncertain significance. Last evaluated: 2024-07-18. Review status: criteria provided, single submitter. Criteria: Invitae Variant Classification Sherloc (09022015). Collection method: clinical testing. Allele origin: germline.
Comment: This sequence change replaces valine, which is neutral and non-polar, with alanine, which is neutral and non-polar, at codon 2230 of the ARID1B protein (p.Val2230Ala). This variant is present in population databases (rs760896148, gnomAD 0.001%). This variant has not been reported in the literature in individuals affected with ARID1B-related conditions. Advanced modeling of protein sequence and biophysical properties (such as structural, functional, and spatial information, amino acid conservation, physicochemical variation, residue mobility, and thermodynamic stability) has been performed at Invitae for this missense variant, however the output from this modeling did not meet the statistical confidence thresholds required to predict the impact of this variant on ARID1B protein function. In summary, the available evidence is currently insufficient to determine the role of this variant in disease. Therefore, it has been classified as a Variant of Uncertain Significance.

NM_001374828.1(ARID1B):c.7058T>C (p.Val2353Ala)

Gene: ARID1B (AT-rich interaction domain 1B; plus strand). Cytogenetic location: 6q25.3.
Variant type: single nucleotide variant.
Coding change: c.7058T>C on transcript NM_001374828.1 (MANE Select); coding-DNA position 7058, T replaced by C.
Protein change: p.Val2353Ala; replaces valine 2353 with alanine.
Molecular consequence: missense variant.
Genome position (GRCh38, 1-based): chr6:157,207,830, T>C. VCF-style: chr6-157207830-T-C. GRCh37 (hg19) VCF-style: chr6-157528964-T-C.
Other names: c.4559T>C, p.Val1520Ala (NM_001363725.2); c.6938T>C, p.Val2313Ala (NM_001371656.1, NM_001374820.1); c.6899T>C, p.Val2300Ala (NM_017519.3); short protein forms V1520A, V2353A, V2313A, V2300A.
Identifiers: ClinVar variation 3693231 (VCV003693231.2).
Genomic context (GRCh38, chr6:157,207,830, plus strand): 5'-AAAACCGCTCGGAATTCCTTTTGCACGAGGGCCGGTTGCTGGATATCTCGATATCAGCTG[T>C]CCTGAACTCTCTGGTTGCATCTGTCATCTGTGATGTACTGTTTCAGATTGGGCAGTTATG-3'
Protein context (NP_001361757.1, residues 2343-2363): GRLLDISISA[Val2353Ala]LNSLVASVIC